The following is an entry in ClinVar:

ClinVar aggregate classification (germline): Uncertain significance. Review status: criteria provided, multiple submitters, no conflicts (2 of 4 stars). 2 submissions from 2 submitters: Uncertain significance (2). Last evaluated 2021-08-12.

Conditions:
Hereditary cancer-predisposing syndrome. Also called: Tumor predisposition; Hereditary Cancer Syndrome; Hereditary neoplastic syndrome; Neoplastic Syndromes, Hereditary. Identifiers: Orphanet 140162, MedGen C0027672, MeSH D009386, MONDO:0015356.
Familial cancer of breast. Also called: hereditary breast carcinoma; BREAST CANCER, FAMILIAL; Hereditary breast cancer. Identifiers: Orphanet 227535, MedGen C0346153, MONDO:0016419, OMIM 114480. Disease mechanism: loss of function.

Allele frequency attached by ClinVar (database versions not stated): gnomAD exomes below 0.00001.
gnomAD v4.1: 2 of 1,614,164 alleles (0.00012%); highest among the groups gnomAD compares: East Asian, 0.0022%; no homozygotes.

Submissions (2):

Labcorp Genetics (formerly Invitae), Labcorp
Classification: Uncertain significance for Familial cancer of breast. Last evaluated: 2021-08-12. Review status: criteria provided, single submitter. Criteria: Invitae Variant Classification Sherloc (09022015). Collection method: clinical testing. Allele origin: germline.
Comment: In summary, the available evidence is currently insufficient to determine the role of this variant in disease. Therefore, it has been classified as a Variant of Uncertain Significance. Algorithms developed to predict the effect of missense changes on protein structure and function are either unavailable or do not agree on the potential impact of this missense change (SIFT: "Deleterious"; PolyPhen-2: "Probably Damaging"; Align-GVGD: "Class C0"). This variant has not been reported in the literature in individuals affected with BARD1-related conditions. This variant is not present in population databases (ExAC no frequency). This sequence change replaces leucine with isoleucine at codon 691 of the BARD1 protein (p.Leu691Ile). The leucine residue is highly conserved and there is a small physicochemical difference between leucine and isoleucine.

Ambry Genetics
Classification: Uncertain significance for Hereditary cancer-predisposing syndrome. Last evaluated: 2020-01-03. Review status: criteria provided, single submitter. Criteria: Ambry Variant Classification Scheme 2023. Collection method: clinical testing. Allele origin: germline.
Comment: The p.L691I variant (also known as c.2071C>A), located in coding exon 11 of the BARD1 gene, results from a C to A substitution at nucleotide position 2071. The leucine at codon 691 is replaced by isoleucine, an amino acid with highly similar properties. This amino acid position is highly conserved in available vertebrate species. In addition, the in silico prediction for this alteration is inconclusive. Since supporting evidence is limited at this time, the clinical significance of this alteration remains unclear.

NM_000465.4(BARD1):c.2071C>A (p.Leu691Ile)

Gene: BARD1 (BRCA1 associated RING domain 1; minus strand). Cytogenetic location: 2q35.
Variant type: single nucleotide variant.
Coding change: c.2071C>A on transcript NM_000465.4 (MANE Select); coding-DNA position 2071, C replaced by A.
Protein change: p.Leu691Ile; replaces leucine 691 with isoleucine.
Molecular consequence: missense variant. On other transcripts: non-coding transcript variant (3).
Genome position (GRCh38, 1-based): chr2:214,728,939, G>T on the plus strand (C>A on the coding strand, the complement: BARD1 is on the minus strand). VCF-style: chr2-214728939-G-T. GRCh37 (hg19) VCF-style: chr2-215593663-G-T.
Other names: c.2014C>A, p.Leu672Ile (NM_001282543.2); c.718C>A, p.Leu240Ile (NM_001282545.2); c.661C>A, p.Leu221Ile (NM_001282548.2); c.532C>A, p.Leu178Ile (NM_001282549.2); short protein forms L178I, L221I, L691I, L240I, L672I.
Identifiers: ClinVar variation 1466420 (VCV001466420.9), dbSNP rs1036838204, ClinGen allele CA350450675.